The following is an entry in ClinVar:

ClinVar aggregate classification (germline): Uncertain significance. Review status: criteria provided, multiple submitters, no conflicts (2 of 4 stars). 2 submissions from 2 submitters: Uncertain significance (2). Last evaluated 2022-12-12.

Conditions:
Neurofibromatosis, type 1 (NF1). Also called: Peripheral type neurofibromatosis; VON RECKLINGHAUSEN DISEASE; NEUROFIBROMATOSIS, TYPE I, SOMATIC; Neurofibromatosis, type I. Identifiers: Orphanet 636, MedGen C0027831, MONDO:0018975, OMIM 162200. Disease mechanism: loss of function.
Cardiovascular phenotype. Identifiers: MedGen CN230736.
Hereditary cancer-predisposing syndrome. Also called: Neoplastic Syndromes, Hereditary; Tumor predisposition; Hereditary neoplastic syndrome; Hereditary Cancer Syndrome. Identifiers: Orphanet 140162, MedGen C0027672, MeSH D009386, MONDO:0015356.

Submissions (2):

Labcorp Genetics (formerly Invitae), Labcorp
Classification: Uncertain significance for Neurofibromatosis, type 1. Last evaluated: 2022-12-12. Review status: criteria provided, single submitter. Criteria: Invitae Variant Classification Sherloc (09022015). Collection method: clinical testing. Allele origin: germline.
Comment: In summary, the available evidence is currently insufficient to determine the role of this variant in disease. Therefore, it has been classified as a Variant of Uncertain Significance. Advanced modeling of protein sequence and biophysical properties (such as structural, functional, and spatial information, amino acid conservation, physicochemical variation, residue mobility, and thermodynamic stability) performed at Invitae indicates that this missense variant is expected to disrupt NF1 protein function. ClinVar contains an entry for this variant (Variation ID: 1750021). This variant has not been reported in the literature in individuals affected with NF1-related conditions. This variant is not present in population databases (gnomAD no frequency). This sequence change replaces arginine, which is basic and polar, with glutamine, which is neutral and polar, at codon 1947 of the NF1 protein (p.Arg1947Gln).

Ambry Genetics
Classification: Uncertain significance for Cardiovascular phenotype; Hereditary cancer-predisposing syndrome. Last evaluated: 2022-09-16. Review status: criteria provided, single submitter. Criteria: Ambry Variant Classification Scheme 2023. Collection method: clinical testing. Allele origin: germline.
Comment: The p.R1947Q variant (also known as c.5840G>A), located in coding exon 39 of the NF1 gene, results from a G to A substitution at nucleotide position 5840. The arginine at codon 1947 is replaced by glutamine, an amino acid with highly similar properties. This amino acid position is conserved. In addition, the in silico prediction for this alteration is inconclusive. Since supporting evidence is limited at this time, the clinical significance of this alteration remains unclear.

NM_001042492.3(NF1):c.5903G>A (p.Arg1968Gln)

Gene: NF1 (neurofibromin 1; plus strand). Cytogenetic location: 17q11.2.
Variant type: single nucleotide variant.
Coding change: c.5903G>A on transcript NM_001042492.3 (MANE Select); coding-DNA position 5903, G replaced by A.
Protein change: p.Arg1968Gln; replaces arginine 1968 with glutamine.
Molecular consequence: missense variant.
Genome position (GRCh38, 1-based): chr17:31,334,928, G>A. VCF-style: chr17-31334928-G-A. GRCh37 (hg19) VCF-style: chr17-29661946-G-A.
Other names: c.5840G>A, p.Arg1947Gln (NM_000267.4); short protein forms R1947Q, R1968Q.
Identifiers: ClinVar variation 1750021 (VCV001750021.5), dbSNP rs868094590, ClinGen allele CA289384547.